The following is an entry in ClinVar:

ClinVar aggregate classification (germline): Likely benign (1 of 4 stars; one submission).

Allele frequency attached by ClinVar (database versions not stated): 1000 Genomes Project 30x 0.00031; gnomAD 0.00034; TOPMed 0.00039; 1000 Genomes Project 0.00040; ESP Exome Variant Server 0.00070; ExAC 0.00079.
gnomAD v4.1: 579 of 1,589,260 alleles (0.036%); highest among the groups gnomAD compares: Non-Finnish European, 0.045%; no homozygotes.

Submission:

CeGaT Center for Human Genetics Tuebingen
Classification: Likely benign. Last evaluated: 2024-05-01. Review status: criteria provided, single submitter. Criteria: CeGaT Center For Human Genetics Tuebingen Variant Classification Criteria Version 2. Collection method: clinical testing. Allele origin: germline. Affected: yes. Observed: 2 variant alleles.
Comment: NDUFA10: BP4, BP7

NM_004544.4(NDUFA10):c.999+6452C>T

Gene: NDUFA10 (NADH:ubiquinone oxidoreductase subunit A10; minus strand). Cytogenetic location: 2q37.3.
Variant type: single nucleotide variant.
Coding change: c.999+6452C>T on transcript NM_004544.4 (MANE Select); 6452 bases into the intron after coding-DNA position 999, C replaced by T.
Molecular consequence: intron variant.
Genome position (GRCh38, 1-based): chr2:239,983,622, G>A on the plus strand (C>T on the coding strand, the complement: NDUFA10 is on the minus strand). VCF-style: chr2-239983622-G-A. GRCh37 (hg19) VCF-style: chr2-240923039-G-A.
Other names: c.890+21588C>T (NM_001322020.2); c.999+6452C>T (NM_001410987.1, NM_001322019.2).
Identifiers: ClinVar variation 2652083 (VCV002652083.24), dbSNP rs373240216, ClinGen allele CA2200752.